The following is an entry in ClinVar:

NM_000553.6(WRN):c.2153T>G (p.Leu718Ter)

Gene: WRN (WRN RecQ like helicase; plus strand). Cytogenetic location: 8p12.
Variant type: single nucleotide variant.
Coding change: c.2153T>G on transcript NM_000553.6 (MANE Select); coding-DNA position 2153, T replaced by G.
Protein change: p.Leu718Ter; replaces leucine 718 with a stop codon.
Molecular consequence: nonsense.
Genome position (GRCh38, 1-based): chr8:31,111,679, T>G. VCF-style: chr8-31111679-T-G. GRCh37 (hg19) VCF-style: chr8-30969195-T-G.
Other names: short protein forms L718*.
Identifiers: ClinVar variation 2084303 (VCV002084303.4), dbSNP rs2535968819, ClinGen allele CA370912591.

ClinVar aggregate classification (germline): Pathogenic (1 of 4 stars; one submission).

Conditions:
Werner syndrome (WRN). Identifiers: Orphanet 902, MedGen C0043119, MONDO:0010196, OMIM 277700.

Submission:

Labcorp Genetics (formerly Invitae), Labcorp
Classification: Pathogenic for Werner syndrome. Last evaluated: 2024-05-07. Review status: criteria provided, single submitter. Criteria: Invitae Variant Classification Sherloc (09022015). Collection method: clinical testing. Allele origin: germline.
Comment: This sequence change creates a premature translational stop signal (p.Leu718*) in the WRN gene. It is expected to result in an absent or disrupted protein product. Loss-of-function variants in WRN are known to be pathogenic (PMID: 16673358). This variant is not present in population databases (gnomAD no frequency). This variant has not been reported in the literature in individuals affected with WRN-related conditions. ClinVar contains an entry for this variant (Variation ID: 2084303). For these reasons, this variant has been classified as Pathogenic.

Literature cited by the submitters: PubMed 16673358.